The following is an entry in ClinVar:

ClinVar aggregate classification (germline): Uncertain significance. Review status: criteria provided, single submitter (1 of 4 stars). 2 submissions from 2 submitters: Uncertain significance (1). 1 of the submissions does not count toward it. Last evaluated 2023-12-18.

Conditions:
ACADS-related disorder. Also called: ACADS-related condition.
Deficiency of butyryl-CoA dehydrogenase (ACADSD). Also called: ACADS DEFICIENCY; SCAD DEFICIENCY, MILD; ACYL-CoA DEHYDROGENASE, SHORT-CHAIN, DEFICIENCY OF; SCADH DEFICIENCY; Short-Chain Acyl-CoA Dehydrogenase Deficiency; SCAD Deficiency. Identifiers: Orphanet 26792, MedGen C0342783, MONDO:0008722, OMIM 201470. Disease mechanism: May be benign.

Allele frequency attached by ClinVar (database versions not stated): ExAC 0.00008; 1000 Genomes Project 0.00020; gnomAD 0.00030 and 0.00033; 1000 Genomes Project 30x 0.00031; ESP Exome Variant Server 0.00031; TOPMed 0.00031.
gnomAD v4.1: 93 of 1,614,158 alleles (0.0058%); highest among the groups gnomAD compares: African/African-American, 0.11%; no homozygotes.

Submissions (2):

Labcorp Genetics (formerly Invitae), Labcorp
Classification: Uncertain significance for Deficiency of butyryl-CoA dehydrogenase. Last evaluated: 2023-12-18. Review status: criteria provided, single submitter. Criteria: Invitae Variant Classification Sherloc (09022015). Collection method: clinical testing. Allele origin: germline.
Comment: This sequence change replaces alanine, which is neutral and non-polar, with valine, which is neutral and non-polar, at codon 16 of the ACADS protein (p.Ala16Val). This variant is present in population databases (rs147494970, gnomAD 0.07%). This variant has not been reported in the literature in individuals affected with ACADS-related conditions. ClinVar contains an entry for this variant (Variation ID: 203568). Algorithms developed to predict the effect of missense changes on protein structure and function output the following: SIFT: "Not Available"; PolyPhen-2: "Benign"; Align-GVGD: "Not Available". The valine amino acid residue is found in multiple mammalian species, which suggests that this missense change does not adversely affect protein function. In summary, the available evidence is currently insufficient to determine the role of this variant in disease. Therefore, it has been classified as a Variant of Uncertain Significance.

PreventionGenetics, part of Exact Sciences
Classification: Uncertain significance for ACADS-related condition. Last evaluated: 2024-08-01. Review status: no assertion criteria provided. Collection method: clinical testing. Allele origin: germline. Not counted in ClinVar's aggregate classification.
Comment: The ACADS c.47C>T variant is predicted to result in the amino acid substitution p.Ala16Val. To our knowledge, this variant has not been reported in the literature. This variant is reported in 0.080% of alleles in individuals of African descent in gnomAD. At this time, the clinical significance of this variant is uncertain due to the absence of conclusive functional and genetic evidence.

NM_000017.4(ACADS):c.47C>T (p.Ala16Val)

Gene: ACADS (acyl-CoA dehydrogenase short chain; plus strand). Cytogenetic location: 12q24.31.
Variant type: single nucleotide variant.
Coding change: c.47C>T on transcript NM_000017.4 (MANE Select); coding-DNA position 47, C replaced by T.
Protein change: p.Ala16Val; replaces alanine 16 with valine.
Molecular consequence: missense variant.
Genome position (GRCh38, 1-based): chr12:120,727,026, C>T. VCF-style: chr12-120727026-C-T. GRCh37 (hg19) VCF-style: chr12-121164829-C-T.
Other names: c.47C>T, p.Ala16Val (NM_001302554.2); short protein forms A16V.
Identifiers: ClinVar variation 203568 (VCV000203568.7), dbSNP rs147494970, ClinGen allele CA312244.